The following is an entry in ClinVar:

NM_004281.4(BAG3):c.200del (p.Asn67fs)

Gene: BAG3 (BAG cochaperone 3; plus strand). Cytogenetic location: 10q26.11.
Variant type: Deletion.
Coding change: c.200del on transcript NM_004281.4 (MANE Select); coding-DNA position 200, one base deleted (A; older notation c.200delA).
Protein change: p.Asn67fs; shifts the reading frame from asparagine 67.
Molecular consequence: frameshift variant.
Genome position (GRCh38, 1-based): chr10:119,669,870, A deleted; the last of 2 consecutive A bases (chr10:119,669,869-119,669,870); deleting either gives the same sequence. VCF-style (leftmost placement, unchanged base first): chr10-119669868-CA-C. GRCh37 (hg19) VCF-style: chr10-121429380-CA-C.
Other names: short protein forms N67fs.
Identifiers: ClinVar variation 4796811 (VCV004796811.1).

ClinVar aggregate classification (germline): Pathogenic (1 of 4 stars; one submission).

Conditions:
Dilated cardiomyopathy 1HH (CMD1HH). Identifiers: Orphanet 154, MedGen C3151293, MONDO:0013479, OMIM 613881.

Submission:

Institute of Clinical Chemistry and Institute of Clinical Molecular Biology, University Hospital Schleswig-Holstein, Campus Kiel
Classification: Pathogenic for Dilated cardiomyopathy 1HH. Last evaluated: 2025-02-12. Review status: criteria provided, single submitter. Criteria: ACMG Guidelines, 2015. Collection method: clinical testing. Allele origin: germline. Affected: yes. Observed: 1 variant allele.
Comment: Applied ACMG criteria: PSV1, PM2